The following is an entry in ClinVar:

NM_020922.5(WNK3):c.2102+7A>G

Gene: WNK3 (WNK lysine deficient protein kinase 3; minus strand). Cytogenetic location: Xp11.22.
Variant type: single nucleotide variant.
Coding change: c.2102+7A>G on transcript NM_020922.5 (MANE Select); 7 bases into the intron after coding-DNA position 2102, A replaced by G.
Molecular consequence: intron variant.
Genome position (GRCh38, 1-based): chrX:54,259,267, T>C on the plus strand (A>G on the coding strand, the complement: WNK3 is on the minus strand). VCF-style: chrX-54259267-T-C. GRCh37 (hg19) VCF-style: chrX-54285700-T-C.
Other names: c.2102+7A>G (NM_001395166.1, NM_001002838.4).
Identifiers: ClinVar variation 4856944 (VCV004856944.2).

ClinVar aggregate classification (germline): Likely benign (1 of 4 stars; one submission).

gnomAD v4.1: 4 of 1,168,369 alleles (0.00034%); highest among the groups gnomAD compares: Admixed American, 0.0045%; no homozygotes.

Submission:

Dasa
Classification: Likely benign. Last evaluated: 2025-12-03. Review status: criteria provided, single submitter. Criteria: DASA Assertion Criteria. Collection method: clinical testing. Allele origin: germline.
Comment: NM_020922.5(WNK3):c.2102+7A>G is a splice-region variant. Observations in unaffected individuals support a benign interpretation. Computational prediction algorithms are consistent with a benign effect. Therefore, based on the currently available evidence, this variant is classified as likely benign.